The following is an entry in ClinVar:

ClinVar aggregate classification (germline): Uncertain significance (1 of 4 stars; one submission).

Conditions:
Hereditary cancer-predisposing syndrome. Also called: Neoplastic Syndromes, Hereditary; Tumor predisposition; Hereditary Cancer Syndrome; Hereditary neoplastic syndrome. Identifiers: Orphanet 140162, MedGen C0027672, MeSH D009386, MONDO:0015356.

Submission:

Ambry Genetics
Classification: Uncertain significance for Hereditary cancer-predisposing syndrome. Last evaluated: 2026-03-14. Review status: criteria provided, single submitter. Criteria: Ambry Variant Classification Scheme 2023. Collection method: clinical testing. Allele origin: germline.
Comment: The p.M185T variant (also known as c.554T>C), located in coding exon 3 of the SMARCA4 gene, results from a T to C substitution at nucleotide position 554. The methionine at codon 185 is replaced by threonine, an amino acid with similar properties. This amino acid position is conserved. In addition, the in silico prediction for this alteration is inconclusive. Based on the available evidence, the clinical significance of this variant remains unclear.

NM_003072.5(SMARCA4):c.554T>C (p.Met185Thr)

Gene: SMARCA4 (SWI/SNF related BAF chromatin remodeling complex subunit ATPase 4; plus strand). Cytogenetic location: 19p13.2.
Variant type: single nucleotide variant.
Coding change: c.554T>C on transcript NM_003072.5 (MANE Select); coding-DNA position 554, T replaced by C.
Protein change: p.Met185Thr; replaces methionine 185 with threonine.
Molecular consequence: missense variant. On other transcripts: non-coding transcript variant (1).
Genome position (GRCh38, 1-based): chr19:10,986,387, T>C. VCF-style: chr19-10986387-T-C. GRCh37 (hg19) VCF-style: chr19-11097063-T-C.
Other names: c.554T>C, p.Met185Thr (NM_001128844.3, NM_001128845.2, NM_001128846.2 and 6 more transcripts); short protein forms M185T.
Identifiers: ClinVar variation 4827341 (VCV004827341.1).